The following is an entry in ClinVar:

ClinVar aggregate classification (germline): Uncertain significance. Review status: criteria provided, multiple submitters, no conflicts (2 of 4 stars). 4 submissions from 4 submitters: Uncertain significance (4). Last evaluated 2026-05-14.

Conditions:
Inborn genetic diseases. Identifiers: MedGen C0950123, MeSH D030342.
Monogenic short statue.

Allele frequency attached by ClinVar (database versions not stated): gnomAD 0.00005; ESP Exome Variant Server 0.00008; ExAC 0.00011; TOPMed 0.00009.

Submissions (4):

Women's Health and Genetics/Laboratory Corporation of America, LabCorp
Classification: Uncertain significance. Last evaluated: 2026-05-14. Review status: criteria provided, single submitter. Criteria: LabCorp Variant Classification Summary - May 2015. Collection method: clinical testing. Allele origin: germline.
Comment: Variant summary: ACAN c.1898G>A (p.Arg633His) results in a non-conservative amino acid change in the encoded protein sequence. Algorithms developed to predict the effect of missense changes on protein structure and function are either unavailable or do not agree on the potential impact of this missense change. The variant allele was found at a frequency of 6.7e-05 in 239278 control chromosomes. This frequency is not significantly higher than estimated for disease-causing variants in ACAN, allowing no conclusion about variant significance. To our knowledge, no occurrence of c.1898G>A in individuals affected with ACAN-related conditions and no experimental evidence demonstrating its impact on protein function have been reported. ClinVar contains an entry for this variant (Variation ID: 1406100). Based on the evidence outlined above, the variant was classified as uncertain significance.

NHS Central & South Genomic Laboratory Hub
Classification: Uncertain significance for Monogenic short statue. Last evaluated: 2026-04-22. Review status: criteria provided, single submitter. Criteria: ACMG Guidelines, 2015. Collection method: clinical testing. Allele origin: germline. Affected: yes.

Labcorp Genetics (formerly Invitae), Labcorp
Classification: Uncertain significance. Last evaluated: 2026-01-12. Review status: criteria provided, single submitter. Criteria: Invitae Variant Classification Sherloc (09022015). Collection method: clinical testing. Allele origin: germline.
Comment: This sequence change replaces arginine, which is basic and polar, with histidine, which is basic and polar, at codon 633 of the ACAN protein (p.Arg633His). This variant is present in population databases (rs35965913, gnomAD 0.01%). This variant has not been reported in the literature in individuals affected with ACAN-related conditions. ClinVar contains an entry for this variant (Variation ID: 1406100). Invitae Evidence Modeling of protein sequence and biophysical properties (such as structural, functional, and spatial information, amino acid conservation, physicochemical variation, residue mobility, and thermodynamic stability) indicates that this missense variant is not expected to disrupt ACAN protein function with a negative predictive value of 80%. In summary, the available evidence is currently insufficient to determine the role of this variant in disease. Therefore, it has been classified as a Variant of Uncertain Significance.

Ambry Genetics
Classification: Uncertain significance for Inborn genetic diseases. Last evaluated: 2021-07-09. Review status: criteria provided, single submitter. Criteria: Ambry Variant Classification Scheme 2023. Collection method: clinical testing. Allele origin: germline.

NM_001369268.1(ACAN):c.1898G>A (p.Arg633His)

Gene: ACAN (aggrecan; plus strand). Cytogenetic location: 15q26.1.
Variant type: single nucleotide variant.
Coding change: c.1898G>A on transcript NM_001369268.1 (MANE Select); coding-DNA position 1898, G replaced by A.
Protein change: p.Arg633His; replaces arginine 633 with histidine.
Molecular consequence: missense variant.
Genome position (GRCh38, 1-based): chr15:88,849,603, G>A. VCF-style: chr15-88849603-G-A. GRCh37 (hg19) VCF-style: chr15-89392834-G-A.
Other names: c.1898G>A (NM_013227.3); c.1898G>A, p.Arg633His (NM_001135.4, NM_013227.4); short protein forms R633H.
Identifiers: ClinVar variation 1406100 (VCV001406100.11), dbSNP rs35965913, ClinGen allele CA7719722.
Genomic context (GRCh38, chr15:88,849,603, plus strand): 5'-CCGCCTGGAGCCGCGGCCTGGACAAGTGCTATGCCGGCTGGCTGGCCGACGGCAGCCTCC[G>A]CTACCCCATCGTCACCCCAAGGCCTGCCTGCGGTGGGGACAAGCCAGGCGTGAGAACGGT-3'
Protein context (NP_001356197.1, residues 623-643): YAGWLADGSL[Arg633His]YPIVTPRPAC